The following is an entry in ClinVar:

NM_001130144.3(LTBP3):c.2621C>T (p.Pro874Leu)

Gene: LTBP3 (latent transforming growth factor beta binding protein 3; minus strand). Cytogenetic location: 11q13.1.
Variant type: single nucleotide variant.
Coding change: c.2621C>T on transcript NM_001130144.3 (MANE Select); coding-DNA position 2621, C replaced by T.
Protein change: p.Pro874Leu; replaces proline 874 with leucine.
Molecular consequence: missense variant.
Genome position (GRCh38, 1-based): chr11:65,541,704, G>A on the plus strand (C>T on the coding strand, the complement: LTBP3 is on the minus strand). VCF-style: chr11-65541704-G-A. GRCh37 (hg19) VCF-style: chr11-65309175-G-A.
Other names: c.2270C>T, p.Pro757Leu (NM_001164266.1); c.2621C>T, p.Pro874Leu (NM_021070.4); c.2621C>T (NM_001130144.2); short protein forms P757L, P874L.
Identifiers: ClinVar variation 1371229 (VCV001371229.14), dbSNP rs370306373, ClinGen allele CA6100534.

ClinVar aggregate classification (germline): Conflicting classifications of pathogenicity. Review status: criteria provided, conflicting classifications (1 of 4 stars). 4 submissions from 4 submitters: Uncertain significance (2); Benign (1); Likely benign (1). Last evaluated 2026-03-01.

Conditions:
Inborn genetic diseases. Identifiers: MedGen C0950123, MeSH D030342.
Brachyolmia-amelogenesis imperfecta syndrome. Also called: Tooth agenesis, selective, 6; Dental anomalies and short stature; PLATYSPONDYLY WITH AMELOGENESIS IMPERFECTA. Identifiers: Orphanet 2899, MedGen C1832594, MONDO:0011018, OMIM 601216. Disease mechanism: loss of function.
Intellectual disability. Also called: Intellectual developmental disorder; Intellectual functioning disability; intellectual disabilities. Identifiers: MedGen C3714756, MeSH D008607, MONDO:0001071, HP:0001249.

Allele frequency attached by ClinVar (database versions not stated): gnomAD 0.00010 and 0.00011; ESP Exome Variant Server 0.00015; TOPMed 0.00015.
gnomAD v4.1: 202 of 1,613,934 alleles (0.013%); highest among the groups gnomAD compares: Middle Eastern, 0.049%; 1 homozygote.

Submissions (4):

CeGaT Center for Human Genetics Tuebingen
Classification: Likely benign. Last evaluated: 2026-03-01. Review status: criteria provided, single submitter. Criteria: CeGaT Center For Human Genetics Tuebingen Variant Classification Criteria Version 2. Collection method: clinical testing. Allele origin: germline. Affected: yes. Observed: 1 variant allele.
Comment: LTBP3: BS2

Labcorp Genetics (formerly Invitae), Labcorp
Classification: Uncertain significance for Brachyolmia-amelogenesis imperfecta syndrome. Last evaluated: 2025-11-03. Review status: criteria provided, single submitter. Criteria: Invitae Variant Classification Sherloc (09022015). Collection method: clinical testing. Allele origin: germline.
Comment: This sequence change replaces proline, which is neutral and non-polar, with leucine, which is neutral and non-polar, at codon 874 of the LTBP3 protein (p.Pro874Leu). This variant is present in population databases (rs370306373, gnomAD 0.04%). This variant has not been reported in the literature in individuals affected with LTBP3-related conditions. ClinVar contains an entry for this variant (Variation ID: 1371229). An algorithm developed to predict the effect of missense changes on protein structure and function (PolyPhen-2) suggests that this variant is likely to be tolerated. In summary, the available evidence is currently insufficient to determine the role of this variant in disease. Therefore, it has been classified as a Variant of Uncertain Significance.

Ambry Genetics
Classification: Uncertain significance for Inborn genetic diseases. Last evaluated: 2023-05-24. Review status: criteria provided, single submitter. Criteria: Ambry Variant Classification Scheme 2023. Collection method: clinical testing. Allele origin: germline.

Cambridge Genomics Laboratory, East Genomic Laboratory Hub, NHS Genomic Medicine Service
Classification: Benign for Intellectual disability. Last evaluated: 2020-04-16. Review status: criteria provided, single submitter. Criteria: ACGS Best Practice Guidelines for Variant Classification in Rare Disease 2020. Collection method: clinical testing. Allele origin: germline. Affected: yes. Observed: 1 variant allele.